The following is an entry in ClinVar:

NM_000211.5(ITGB2):c.2285T>G (p.Met762Arg)

Gene: ITGB2 (integrin subunit beta 2; minus strand). Cytogenetic location: 21q22.3.
Variant type: single nucleotide variant.
Coding change: c.2285T>G on transcript NM_000211.5 (MANE Select); coding-DNA position 2285, T replaced by G.
Protein change: p.Met762Arg; replaces methionine 762 with arginine.
Molecular consequence: missense variant.
Genome position (GRCh38, 1-based): chr21:44,886,393, A>C on the plus strand (T>G on the coding strand, the complement: ITGB2 is on the minus strand). VCF-style: chr21-44886393-A-C. GRCh37 (hg19) VCF-style: chr21-46306308-A-C.
Other names: c.2285T>G, p.Met762Arg (NM_001127491.3); c.2078T>G, p.Met693Arg (NM_001303238.2); short protein forms M762R, M693R.
Identifiers: ClinVar variation 2161910 (VCV002161910.6), dbSNP rs2517067673, ClinGen allele CA410482228.
Genomic context (GRCh38, chr21:44,886,393, plus strand): 5'-GTGGGTCCTGACGGCCTTGTCTTCACCAAGTGCTCCTAACTCTCAGCAAACTTGGGGTTC[A>C]TGACCGTCGTGGTGGCGCTCTTGAAAAGGGGATTATCCTGGTGGGAAATGCAAACAGGGG-3'
Protein context (NP_000202.3, residues 752-769): PLFKSATTTV[Met762Arg]NPKFAES

ClinVar aggregate classification (germline): Uncertain significance. Review status: criteria provided, multiple submitters, no conflicts (2 of 4 stars). 3 submissions from 3 submitters: Uncertain significance (3). Last evaluated 2024-09-22.

Conditions:
Leukocyte adhesion deficiency 1 (LAD1). Also called: LAD 1; Lymphocyte function-associated antigen 1 immunodeficiency; LFA 1 immunodeficiency; LEUKOCYTE ADHESION DEFICIENCY, TYPE I. Identifiers: Orphanet 2968, Orphanet 99842, MedGen C0398738, MONDO:0007293, OMIM 116920.

Submissions (3):

Genomic Medicine Center of Excellence, King Faisal Specialist Hospital and Research Centre
Classification: Uncertain significance for Leukocyte adhesion deficiency 1. Last evaluated: 2024-09-22. Review status: criteria provided, single submitter. Criteria: ACMG Guidelines, 2015. Collection method: clinical testing. Allele origin: germline.

Labcorp Genetics (formerly Invitae), Labcorp
Classification: Uncertain significance for Leukocyte adhesion deficiency 1. Last evaluated: 2023-08-17. Review status: criteria provided, single submitter. Criteria: Invitae Variant Classification Sherloc (09022015). Collection method: clinical testing. Allele origin: germline.
Comment: In summary, the available evidence is currently insufficient to determine the role of this variant in disease. Therefore, it has been classified as a Variant of Uncertain Significance. Advanced modeling of protein sequence and biophysical properties (such as structural, functional, and spatial information, amino acid conservation, physicochemical variation, residue mobility, and thermodynamic stability) has been performed at Invitae for this missense variant, however the output from this modeling did not meet the statistical confidence thresholds required to predict the impact of this variant on ITGB2 protein function. ClinVar contains an entry for this variant (Variation ID: 2161910). This variant has not been reported in the literature in individuals affected with ITGB2-related conditions. This variant is not present in population databases (gnomAD no frequency). This sequence change replaces methionine, which is neutral and non-polar, with arginine, which is basic and polar, at codon 762 of the ITGB2 protein (p.Met762Arg).

Blueprint Genetics
Classification: Uncertain significance. Last evaluated: 2018-07-30. Review status: criteria provided, single submitter. Criteria: ACMG Guidelines, 2015. Collection method: clinical testing. Allele origin: germline.